The following is an entry in ClinVar:

ClinVar aggregate classification (germline): Uncertain significance (1 of 4 stars; one submission).

Conditions:
GREB1L-related disorder. Also called: GREB1L-related condition.

gnomAD v4.1: 1 of 1,551,550 alleles (0.000064%); highest among the groups gnomAD compares: Non-Finnish European, 0.000087%; no homozygotes.

Submission:

PreventionGenetics, part of Exact Sciences
Classification: Uncertain significance for GREB1L-related condition. Last evaluated: 2026-06-10. Review status: criteria provided, single submitter. Criteria: ACMG Guidelines, 2015. Collection method: clinical testing. Allele origin: germline.
Comment: The GREB1L c.469A>G variant is predicted to result in the amino acid substitution p.Ile157Val. To our knowledge, this variant has not been reported in the literature or in a large population database (gnomAD), indicating this variant is rare. At this time, the clinical significance of this variant is uncertain due to the absence of conclusive functional and genetic evidence.

NM_001142966.3(GREB1L):c.469A>G (p.Ile157Val)

Genes: GREB1L (GREB1 like retinoic acid receptor coactivator; plus strand), GREB1L-AS1 (GREB1L antisense RNA 1; minus strand). Cytogenetic location: 18q11.1.
Variant type: single nucleotide variant.
Coding change: c.469A>G on transcript NM_001142966.3 (MANE Select); coding-DNA position 469, A replaced by G.
Protein change: p.Ile157Val; replaces isoleucine 157 with valine.
Molecular consequence: missense variant.
Genome position (GRCh38, 1-based): chr18:21,395,498, A>G. VCF-style: chr18-21395498-A-G. GRCh37 (hg19) VCF-style: chr18-18975459-A-G.
Other names: c.469A>G, p.Ile157Val (NM_001410867.1, NM_001410868.1); short protein forms I157V.
Identifiers: ClinVar variation 4990633 (VCV004990633.1).